The following is an entry in ClinVar:

NM_001846.4(COL4A2):c.2219G>A (p.Arg740Gln)

Gene: COL4A2 (collagen type IV alpha 2 chain; plus strand). Cytogenetic location: 13q34.
Variant type: single nucleotide variant.
Coding change: c.2219G>A on transcript NM_001846.4 (MANE Select); coding-DNA position 2219, G replaced by A.
Protein change: p.Arg740Gln; replaces arginine 740 with glutamine.
Molecular consequence: missense variant.
Genome position (GRCh38, 1-based): chr13:110,472,944, G>A. VCF-style: chr13-110472944-G-A. GRCh37 (hg19) VCF-style: chr13-111125291-G-A.
Other names: short protein forms R740Q.
Identifiers: ClinVar variation 2068292 (VCV002068292.6), dbSNP rs377148815, ClinGen allele CA7049879.

ClinVar aggregate classification (germline): Conflicting classifications of pathogenicity. Review status: criteria provided, conflicting classifications (1 of 4 stars). 3 submissions from 3 submitters: Uncertain significance (1); Benign (1); Likely benign (1). Last evaluated 2026-06-08.

Conditions:
Inborn genetic diseases. Identifiers: MedGen C0950123, MeSH D030342.

Allele frequency attached by ClinVar (database versions not stated): gnomAD exomes 0.00006; TOPMed 0.00009; gnomAD 0.00010; ExAC 0.00037.
gnomAD v4.1: 101 of 1,557,102 alleles (0.0065%); highest among the groups gnomAD compares: South Asian, 0.069%; 1 homozygote.

Submissions (3):

Women's Health and Genetics/Laboratory Corporation of America, LabCorp
Classification: Uncertain significance. Last evaluated: 2026-06-08. Review status: criteria provided, single submitter. Criteria: LabCorp Variant Classification Summary - May 2015. Collection method: clinical testing. Allele origin: germline.
Comment: Variant summary: COL4A2 c.2219G>A (p.Arg740Gln) results in a conservative amino acid change in the encoded protein sequence. Algorithms developed to predict the effect of missense changes on protein structure and function are either unavailable or do not agree on the potential impact of this missense change. The variant allele was found at a frequency of 0.00017 in 161872 control chromosomes. This frequency is not significantly higher than estimated for disease-causing variants in COL4A2, allowing no conclusion about variant significance. To our knowledge, no occurrence of c.2219G>A in individuals affected with COL4A2-related conditions and no experimental evidence demonstrating its impact on protein function have been reported. ClinVar contains an entry for this variant (Variation ID: 2068292). Based on the evidence outlined above, the variant was classified as uncertain significance.

Labcorp Genetics (formerly Invitae), Labcorp
Classification: Benign. Last evaluated: 2023-04-24. Review status: criteria provided, single submitter. Criteria: Invitae Variant Classification Sherloc (09022015). Collection method: clinical testing. Allele origin: germline.

Ambry Genetics
Classification: Likely benign for Inborn genetic diseases. Last evaluated: 2021-11-09. Review status: criteria provided, single submitter. Criteria: Ambry Variant Classification Scheme 2023. Collection method: clinical testing. Allele origin: germline.